The following is an entry in ClinVar:

NM_024306.5(FA2H):c.786+661A>G

Gene: FA2H (fatty acid 2-hydroxylase; minus strand). Cytogenetic location: 16q23.1.
Variant type: single nucleotide variant.
Coding change: c.786+661A>G on transcript NM_024306.5 (MANE Select); 661 bases into the intron after coding-DNA position 786, A replaced by G.
Molecular consequence: intron variant.
Genome position (GRCh38, 1-based): chr16:74,718,327, T>C on the plus strand (A>G on the coding strand, the complement: FA2H is on the minus strand). VCF-style: chr16-74718327-T-C. GRCh37 (hg19) VCF-style: chr16-74752225-T-C.
Identifiers: ClinVar variation 3256815 (VCV003256815.2).
Genomic context (GRCh38, chr16:74,718,327, plus strand): 5'-TCTCTGATTTATGCCCAGCAGAGAACAGAGTGTGGAGACGGGCTGGGGAACAGCCTGGGA[T>C]GGGCCAAGGACAGCACAATGCAGGGACAGAGAAGCAGCGGGGGGTACAGGGGAGGTAGCT-3'

ClinVar aggregate classification (germline): Benign (1 of 4 stars; one submission).

gnomAD v4.1: 49,108 of 151,990 alleles (32%); highest among the groups gnomAD compares: African/African-American, 51%; 9,023 homozygotes.

Submission:

Unidad de Genómica Garrahan, Hospital de Pediatría Garrahan
Classification: Benign. Last evaluated: 2024-07-31. Review status: criteria provided, single submitter. Criteria: ACMG Guidelines, 2015. Collection method: clinical testing. Allele origin: germline. Affected: no. Observed: 29 variant alleles.
Comment: This variant is classified as Benign based on local population frequency. This variant was detected in 31% of patients studied in a panel designed for Epileptic and Developmental Encephalopathy, Progressive Myoclonus Epilepsy and Abnormal Movements and Neurodegeneration with brain iron accumulation. Number of patients: 29. Only high quality variants are reported.